The following is an entry in ClinVar:

ClinVar aggregate classification (germline): Uncertain significance (1 of 4 stars; one submission).

Submission:

Labcorp Genetics (formerly Invitae), Labcorp
Classification: Uncertain significance. Last evaluated: 2023-03-24. Review status: criteria provided, single submitter. Criteria: Invitae Variant Classification Sherloc (09022015). Collection method: clinical testing. Allele origin: germline.
Comment: Variants that disrupt the consensus splice site are a relatively common cause of aberrant splicing (PMID: 17576681, 9536098). Algorithms developed to predict the effect of sequence changes on RNA splicing suggest that this variant may disrupt the consensus splice site. This variant disrupts the c.-19-2A nucleotide in the TRAPPC2 gene. Other variant(s) that disrupt this nucleotide have been determined to be pathogenic (PMID: 12579492, 16120574). This suggests that this nucleotide is clinically significant, and that variants that disrupt this position are likely to be disease-causing. In summary, the available evidence is currently insufficient to determine the role of this variant in disease. Therefore, it has been classified as a Variant of Uncertain Significance. This variant occurs in a non-coding region of the TRAPPC2 gene. It does not change the encoded amino acid sequence of the TRAPPC2 protein. It affects a nucleotide within the consensus splice site. This variant is not present in population databases (gnomAD no frequency). This variant has not been reported in the literature in individuals affected with TRAPPC2-related conditions.

Literature cited by the submitters: PubMed 17576681; PubMed 9536098; PubMed 12579492; PubMed 16120574.

NM_001011658.4(TRAPPC2):c.-19-2A>T

Genes: OFD1 (OFD1 centriole and centriolar satellite protein; plus strand), TRAPPC2 (trafficking protein particle complex subunit 2; minus strand). Cytogenetic location: Xp22.2.
Variant type: single nucleotide variant.
Coding change: c.-19-2A>T on transcript NM_001011658.4 (MANE Select); the canonical splice acceptor site of the intron before 19 bases upstream of the start codon, A replaced by T.
Molecular consequence: splice acceptor variant.
Genome position (GRCh38, 1-based): chrX:13,719,984, T>A on the plus strand (A>T on the coding strand, the complement: TRAPPC2 is on the minus strand). VCF-style: chrX-13719984-T-A. GRCh37 (hg19) VCF-style: chrX-13738103-T-A.
Other names: c.-19-2A>T (NM_014563.6); c.84-2A>T (NM_001128835.3).
Identifiers: ClinVar variation 2842620 (VCV002842620.3), dbSNP rs2518644658, ClinGen allele CA412327880.